The following is an entry in ClinVar:

NM_017534.6(MYH2):c.2800G>A (p.Asp934Asn)

Genes: MYH2 (myosin heavy chain 2; minus strand), MYHAS (myosin heavy chain gene cluster antisense RNA; plus strand). Cytogenetic location: 17p13.1.
Variant type: single nucleotide variant.
Coding change: c.2800G>A on transcript NM_017534.6 (MANE Select); coding-DNA position 2800, G replaced by A.
Protein change: p.Asp934Asn; replaces aspartic acid 934 with asparagine.
Molecular consequence: missense variant.
Genome position (GRCh38, 1-based): chr17:10,529,972, C>T on the plus strand (G>A on the coding strand, the complement: MYH2 is on the minus strand). VCF-style: chr17-10529972-C-T. GRCh37 (hg19) VCF-style: chr17-10433289-C-T.
Other names: c.2800G>A, p.Asp934Asn (NM_001100112.2); c.2800G>A (NM_017534.5); short protein forms D934N.
Identifiers: ClinVar variation 1051673 (VCV001051673.8), dbSNP rs201945489, ClinGen allele CA8391063.
Genomic context (GRCh38, chr17:10,529,972, plus strand): 5'-AACATTCATCCTCCAGTTTCCTCTTCTTGGCTGTCAGCTCAGCATTGATCTCTTCCTCAT[C>T]CTCAGCTCTCTCAGTCACCTCTTTGATTTTGGCTTCTAGCTGGATTTTGGTTTTGATTAG-3'
Protein context (NP_060004.3, residues 924-944): KIKEVTERAE[Asp934Asn]EEEINAELTA

ClinVar aggregate classification (germline): Uncertain significance. Review status: criteria provided, multiple submitters, no conflicts (2 of 4 stars). 2 submissions from 2 submitters: Uncertain significance (2). Last evaluated 2022-08-03.

Conditions:
Myopathy, proximal, and ophthalmoplegia (CMYO6). Also called: INCLUSION BODY MYOPATHY 3, AUTOSOMAL DOMINANT; MYOPATHY WITH CONGENITAL JOINT CONTRACTURES, OPHTHALMOPLEGIA, AND RIMMED VACUOLES; CONGENITAL MYOPATHY 6 WITH OPHTHALMOPLEGIA. Identifiers: Orphanet 363677, Orphanet 79091, MedGen C1854106, MONDO:0011577, OMIM 605637.

Allele frequency attached by ClinVar (database versions not stated): gnomAD 0.00001; gnomAD exomes 0.00001 and 0.00002; ExAC 0.00002; TOPMed 0.00002; 1000 Genomes Project 0.00020; 1000 Genomes Project 30x 0.00031.

Submissions (2):

Labcorp Genetics (formerly Invitae), Labcorp
Classification: Uncertain significance for Myopathy, proximal, and ophthalmoplegia. Last evaluated: 2022-08-03. Review status: criteria provided, single submitter. Criteria: Invitae Variant Classification Sherloc (09022015). Collection method: clinical testing. Allele origin: germline.
Comment: Algorithms developed to predict the effect of missense changes on protein structure and function are either unavailable or do not agree on the potential impact of this missense change (SIFT: "Deleterious"; PolyPhen-2: "Possibly Damaging"; Align-GVGD: "Class C15"). ClinVar contains an entry for this variant (Variation ID: 1051673). This variant has not been reported in the literature in individuals affected with MYH2-related conditions. This variant is present in population databases (rs201945489, gnomAD 0.009%). This sequence change replaces aspartic acid, which is acidic and polar, with asparagine, which is neutral and polar, at codon 934 of the MYH2 protein (p.Asp934Asn). In summary, the available evidence is currently insufficient to determine the role of this variant in disease. Therefore, it has been classified as a Variant of Uncertain Significance.

Revvity Omics, Revvity
Classification: Uncertain significance for Myopathy, proximal, and ophthalmoplegia. Last evaluated: 2019-07-08. Review status: criteria provided, single submitter. Criteria: ACMG Guidelines, 2015. Collection method: clinical testing. Allele origin: germline.